The following is an entry in ClinVar:

ClinVar aggregate classification (germline): Uncertain significance (1 of 4 stars; one submission).

Allele frequency attached by ClinVar (database versions not stated): gnomAD exomes below 0.00001; gnomAD 0.00001; TOPMed 0.00001.
gnomAD v4.1: 4 of 1,613,838 alleles (0.00025%); highest among the groups gnomAD compares: African/African-American, 0.0053%; no homozygotes.

Submission:

Labcorp Genetics (formerly Invitae), Labcorp
Classification: Uncertain significance. Last evaluated: 2022-02-10. Review status: criteria provided, single submitter. Criteria: Invitae Variant Classification Sherloc (09022015). Collection method: clinical testing. Allele origin: germline.
Comment: In summary, the available evidence is currently insufficient to determine the role of this variant in disease. Therefore, it has been classified as a Variant of Uncertain Significance. Algorithms developed to predict the effect of missense changes on protein structure and function (SIFT, PolyPhen-2, Align-GVGD) all suggest that this variant is likely to be disruptive. This variant has not been reported in the literature in individuals affected with ABCA4-related conditions. This variant is not present in population databases (gnomAD no frequency). This sequence change replaces glycine, which is neutral and non-polar, with alanine, which is neutral and non-polar, at codon 1931 of the ABCA4 protein (p.Gly1931Ala).

NM_000350.3(ABCA4):c.5792G>C (p.Gly1931Ala)

Gene: ABCA4 (ATP binding cassette subfamily A member 4; minus strand). Cytogenetic location: 1p22.1.
Variant type: single nucleotide variant.
Coding change: c.5792G>C on transcript NM_000350.3 (MANE Select); coding-DNA position 5792, G replaced by C.
Protein change: p.Gly1931Ala; replaces glycine 1931 with alanine.
Molecular consequence: missense variant.
Genome position (GRCh38, 1-based): chr1:94,008,794, C>G on the plus strand (G>C on the coding strand, the complement: ABCA4 is on the minus strand). VCF-style: chr1-94008794-C-G. GRCh37 (hg19) VCF-style: chr1-94474350-C-G.
Other names: c.5570G>C, p.Gly1857Ala (NM_001425324.1); short protein forms G1931A, G1857A.
Identifiers: ClinVar variation 1463384 (VCV001463384.6), dbSNP rs954069176, ClinGen allele CA26837293.
Genomic context (GRCh38, chr1:94,008,794, plus strand): 5'-CATACCCATTCCCTTACCTTGGTTAGTTCATGTAGCCTTAAGATGTCAGTTTTATTTCCA[C>G]CAGTAATAATTCTTTGTCTTTCTTCAGCCACATCATCATCTTCATCAACAATGGGCTCCT-3'
Protein context (NP_000341.2, residues 1921-1941): VAEERQRIIT[Gly1931Ala]GNKTDILRLH